The following is an entry in ClinVar:

ClinVar aggregate classification (germline): Likely benign (1 of 4 stars; one submission).

gnomAD v4.1: 7 of 1,611,840 alleles (0.00043%); highest among the groups gnomAD compares: South Asian, 0.0044%; no homozygotes.

Submission:

CeGaT Center for Human Genetics Tuebingen
Classification: Likely benign. Last evaluated: 2024-07-01. Review status: criteria provided, single submitter. Criteria: CeGaT Center For Human Genetics Tuebingen Variant Classification Criteria Version 2. Collection method: clinical testing. Allele origin: germline. Affected: yes. Observed: 1 variant allele.
Comment: SKI: BP4, BP7

NM_003036.4(SKI):c.406C>T (p.Leu136=)

Gene: SKI (SKI proto-oncogene; plus strand). Cytogenetic location: 1p36.33.
Variant type: single nucleotide variant.
Coding change: c.406C>T on transcript NM_003036.4 (MANE Select); coding-DNA position 406, C replaced by T.
Protein change: p.Leu136=; no amino-acid change (leucine 136 retained).
Molecular consequence: synonymous variant.
Genome position (GRCh38, 1-based): chr1:2,229,172, C>T. VCF-style: chr1-2229172-C-T. GRCh37 (hg19) VCF-style: chr1-2160611-C-T.
Identifiers: ClinVar variation 3257344 (VCV003257344.17).